The following is an entry in ClinVar:

ClinVar aggregate classification (germline): Uncertain significance. Review status: criteria provided, multiple submitters, no conflicts (2 of 4 stars). 5 submissions from 5 submitters: Uncertain significance (5). Last evaluated 2024-05-13.

Conditions:
Succinate-semialdehyde dehydrogenase deficiency (SSADHD). Also called: GABA METABOLIC DEFECT; Succinic Semialdehyde Dehydrogenase Deficiency; 4-HYDROXYBUTYRIC ACIDURIA; SSADH DEFICIENCY. Identifiers: Orphanet 22, MedGen C0268631, MONDO:0010083, OMIM 271980.

Allele frequency attached by ClinVar (database versions not stated): ExAC 0.00003; ESP Exome Variant Server 0.00008; gnomAD 0.00008 and 0.00009; TOPMed 0.00008.
gnomAD v4.1: 127 of 1,613,876 alleles (0.0079%); highest among the groups gnomAD compares: Middle Eastern, 0.017%; no homozygotes.

Submissions (5):

Blueprint Genetics
Classification: Uncertain significance. Last evaluated: 2024-05-13. Review status: criteria provided, single submitter. Criteria: ACMG Guidelines, 2015. Collection method: clinical testing. Allele origin: germline.

Labcorp Genetics (formerly Invitae), Labcorp
Classification: Uncertain significance for Succinate-semialdehyde dehydrogenase deficiency. Last evaluated: 2022-06-14. Review status: criteria provided, single submitter. Criteria: Invitae Variant Classification Sherloc (09022015). Collection method: clinical testing. Allele origin: germline.
Comment: This sequence change disrupts the translational stop signal of the ALDH5A1 mRNA. It is expected to extend the length of the ALDH5A1 protein by 6 additional amino acid residues. This variant is present in population databases (rs201484501, gnomAD 0.2%). This variant has not been reported in the literature in individuals affected with ALDH5A1-related conditions. ClinVar contains an entry for this variant (Variation ID: 381590). Algorithms developed to predict the effect of sequence changes on RNA splicing suggest that this variant may create or strengthen a splice site. In summary, the available evidence is currently insufficient to determine the role of this variant in disease. Therefore, it has been classified as a Variant of Uncertain Significance.

Fulgent Genetics
Classification: Uncertain significance for Succinate-semialdehyde dehydrogenase deficiency. Last evaluated: 2022-05-17. Review status: criteria provided, single submitter. Criteria: ACMG Guidelines, 2015. Collection method: clinical testing. Allele origin: unknown.

GeneDx
Classification: Uncertain significance. Last evaluated: 2019-08-27. Review status: criteria provided, single submitter. Criteria: GeneDx Variant Classification Process June 2021. Collection method: clinical testing. Allele origin: germline. Affected: yes.
Comment: Normal stop codon changed to a Gln codon, leading to the addition of 6 amino acids at the C-terminus.; This variant is associated with the following publications: (PMID: 21228398)

Baylor Genetics
Classification: Uncertain significance for Succinate-semialdehyde dehydrogenase deficiency. Last evaluated: 2018-09-22. Review status: criteria provided, single submitter. Criteria: ACMG Guidelines, 2015. Collection method: clinical testing. Allele origin: maternal. Affected: yes.
Comment: This variant was determined to be of uncertain significance according to ACMG Guidelines, 2015 [PMID:25741868].

NM_001080.3(ALDH5A1):c.1606T>C (p.Ter536Gln)

Gene: ALDH5A1 (aldehyde dehydrogenase 5 family member A1; plus strand). Cytogenetic location: 6p22.3.
Variant type: single nucleotide variant.
Coding change: c.1606T>C on transcript NM_001080.3 (MANE Select); coding-DNA position 1606, T replaced by C.
Protein change: p.Ter536Gln.
Molecular consequence: stop lost.
Genome position (GRCh38, 1-based): chr6:24,533,710, T>C. VCF-style: chr6-24533710-T-C. GRCh37 (hg19) VCF-style: chr6-24533938-T-C.
Other names: *536Q; *549Q; *488Q; c.1462T>C, p.Ter488Gln (NM_001368954.1); c.1645T>C, p.Ter549Gln (NM_170740.1).
Identifiers: ClinVar variation 381590 (VCV000381590.11), dbSNP rs201484501, ClinGen allele CA3656976.